The following is an entry in ClinVar:

NM_014727.3(KMT2B):c.3197A>G (p.Glu1066Gly)

Gene: KMT2B (lysine methyltransferase 2B; plus strand). Cytogenetic location: 19q13.12.
Variant type: single nucleotide variant.
Coding change: c.3197A>G on transcript NM_014727.3 (MANE Select); coding-DNA position 3197, A replaced by G.
Protein change: p.Glu1066Gly; replaces glutamic acid 1066 with glycine.
Molecular consequence: missense variant.
Genome position (GRCh38, 1-based): chr19:35,723,870, A>G. VCF-style: chr19-35723870-A-G. GRCh37 (hg19) VCF-style: chr19-36214771-A-G.
Other names: short protein forms E1066G.
Identifiers: ClinVar variation 2821806 (VCV002821806.3), dbSNP rs2146446322, ClinGen allele CA405404555.

ClinVar aggregate classification (germline): Uncertain significance (1 of 4 stars; one submission).

Submission:

Labcorp Genetics (formerly Invitae), Labcorp
Classification: Uncertain significance. Last evaluated: 2022-12-17. Review status: criteria provided, single submitter. Criteria: Invitae Variant Classification Sherloc (09022015). Collection method: clinical testing. Allele origin: germline.
Comment: This sequence change replaces glutamic acid, which is acidic and polar, with glycine, which is neutral and non-polar, at codon 1066 of the KMT2B protein (p.Glu1066Gly). This variant is not present in population databases (gnomAD no frequency). This variant has not been reported in the literature in individuals affected with KMT2B-related conditions. Advanced modeling of protein sequence and biophysical properties (such as structural, functional, and spatial information, amino acid conservation, physicochemical variation, residue mobility, and thermodynamic stability) has been performed at Invitae for this missense variant, however the output from this modeling did not meet the statistical confidence thresholds required to predict the impact of this variant on KMT2B protein function. In summary, the available evidence is currently insufficient to determine the role of this variant in disease. Therefore, it has been classified as a Variant of Uncertain Significance.